The following is an entry in ClinVar:

NM_015202.5(KATNIP):c.2654G>A (p.Arg885Gln)

Gene: KATNIP (katanin interacting protein; plus strand). Cytogenetic location: 16p12.1.
Variant type: single nucleotide variant.
Coding change: c.2654G>A on transcript NM_015202.5 (MANE Select); coding-DNA position 2654, G replaced by A.
Protein change: p.Arg885Gln; replaces arginine 885 with glutamine.
Molecular consequence: missense variant.
Genome position (GRCh38, 1-based): chr16:27,749,614, G>A. VCF-style: chr16-27749614-G-A. GRCh37 (hg19) VCF-style: chr16-27760935-G-A.
Other names: p.Arg885Gln; c.2654G>A (NM_015202.4); short protein forms R885Q.
Identifiers: ClinVar variation 1682060 (VCV001682060.11), dbSNP rs16976970, ClinGen allele CA7978028.

ClinVar aggregate classification (germline): Benign/Likely benign. Review status: criteria provided, multiple submitters, no conflicts (2 of 4 stars). 4 submissions from 4 submitters: Benign (3); Likely benign (1). Last evaluated 2026-02-02.

Allele frequency attached by ClinVar (database versions not stated): 1000 Genomes Project 0.00519; 1000 Genomes Project 30x 0.00562; ExAC 0.01373; gnomAD 0.01400 and 0.01431; TOPMed 0.01509; ESP Exome Variant Server 0.01716.
gnomAD v4.1: 33,333 of 1,543,002 alleles (2.2%); highest among the groups gnomAD compares: Non-Finnish European, 2.6%; 472 homozygotes.

Submissions (4):

Labcorp Genetics (formerly Invitae), Labcorp
Classification: Benign. Last evaluated: 2026-02-02. Review status: criteria provided, single submitter. Criteria: Invitae Variant Classification Sherloc (09022015). Collection method: clinical testing. Allele origin: germline.

Blueprint Genetics
Classification: Likely benign. Last evaluated: 2024-11-27. Review status: criteria provided, single submitter. Criteria: ACMG Guidelines, 2015. Collection method: clinical testing. Allele origin: germline.

Mayo Clinic Laboratories, Mayo Clinic
Classification: Benign. Last evaluated: 2023-06-02. Review status: criteria provided, single submitter. Criteria: ACMG Guidelines, 2015. Collection method: clinical testing. Allele origin: germline. Observed: 2 variant alleles.
Comment: BS1, BS2, BP4

Breakthrough Genomics
Classification: Benign. Review status: criteria provided, single submitter. Criteria: ACMG Guidelines, 2015. Collection method: not provided. Allele origin: germline. Inheritance: Autosomal recessive inheritance. Affected: yes.